The following is an entry in ClinVar:

ClinVar aggregate classification (germline): Conflicting classifications of pathogenicity. Review status: criteria provided, conflicting classifications (1 of 4 stars). 7 submissions from 7 submitters: Uncertain significance (1); Benign (1); Likely benign (5). Last evaluated 2026-07-13.

Conditions:
LTBP4-related disorder. Also called: LTBP4-related condition.
Cutis laxa with severe pulmonary, gastrointestinal and urinary anomalies. Also called: LTBP4-Related Cutis Laxa; Cutis laxa, autosomal recessive, type IC; URBAN-RIFKIN-DAVIS SYNDROME. Identifiers: Orphanet 221145, MedGen C2750804, MONDO:0013170, OMIM 613177. Disease mechanism: loss of function.

Allele frequency attached by ClinVar (database versions not stated): ESP Exome Variant Server 0.00080; gnomAD exomes 0.00081 and 0.00116; TOPMed 0.00084; gnomAD 0.00090; ExAC 0.00113.
gnomAD v4.1: 1,805 of 1,606,602 alleles (0.11%); highest among the groups gnomAD compares: Non-Finnish European, 0.14%; 3 homozygotes.

Submissions (7):

PreventionGenetics, part of Exact Sciences
Classification: Likely benign for LTBP4-related condition. Last evaluated: 2026-07-13. Review status: criteria provided, single submitter. Criteria: ACMG Guidelines, 2015. Collection method: clinical testing. Allele origin: germline.
Comment: This variant is classified as likely benign based on ACMG/AMP sequence variant interpretation guidelines (Richards et al. 2015 PMID: 25741868, with internal and published modifications).

Labcorp Genetics (formerly Invitae), Labcorp
Classification: Benign. Last evaluated: 2026-01-29. Review status: criteria provided, single submitter. Criteria: Invitae Variant Classification Sherloc (09022015). Collection method: clinical testing. Allele origin: germline.

Blueprint Genetics
Classification: Likely benign. Last evaluated: 2024-11-06. Review status: criteria provided, single submitter. Criteria: ACMG Guidelines, 2015. Collection method: clinical testing. Allele origin: germline.

Women's Health and Genetics/Laboratory Corporation of America, LabCorp
Classification: Likely benign. Last evaluated: 2024-09-30. Review status: criteria provided, single submitter. Criteria: LabCorp Variant Classification Summary - May 2015. Collection method: clinical testing. Allele origin: germline.

CeGaT Center for Human Genetics Tuebingen
Classification: Likely benign. Last evaluated: 2023-03-01. Review status: criteria provided, single submitter. Criteria: CeGaT Center For Human Genetics Tuebingen Variant Classification Criteria Version 2. Collection method: clinical testing. Allele origin: germline. Affected: yes. Observed: 2 variant alleles.
Comment: LTBP4: BP4, BP7

GeneDx
Classification: Likely benign. Last evaluated: 2020-10-21. Review status: criteria provided, single submitter. Criteria: GeneDx Variant Classification Process June 2021. Collection method: clinical testing. Allele origin: germline. Affected: yes.

Illumina Laboratory Services, Illumina
Classification: Uncertain significance for Cutis laxa with severe pulmonary, gastrointestinal and urinary anomalies. Last evaluated: 2018-01-13. Review status: criteria provided, single submitter. Criteria: ICSL Variant Classification Criteria 13 December 2019. Collection method: clinical testing. Allele origin: germline.

NM_001042545.2(LTBP4):c.2436G>A (p.Val812=)

Gene: LTBP4 (latent transforming growth factor beta binding protein 4; plus strand). Cytogenetic location: 19q13.2.
Variant type: single nucleotide variant.
Coding change: c.2436G>A on transcript NM_001042545.2 (MANE Select); coding-DNA position 2436, G replaced by A.
Protein change: p.Val812=; no amino-acid change (valine 812 retained).
Molecular consequence: synonymous variant.
Genome position (GRCh38, 1-based): chr19:40,613,408, G>A. VCF-style: chr19-40613408-G-A. GRCh37 (hg19) VCF-style: chr19-41119314-G-A.
Other names: c.2637G>A, p.Val879= (NM_001042544.1); c.2526G>A, p.Val842= (NM_003573.2).
Identifiers: ClinVar variation 329318 (VCV000329318.52), dbSNP rs371083223, ClinGen allele CA9448681.